The following is an entry in ClinVar:

ClinVar aggregate classification (germline): Uncertain significance (1 of 4 stars; one submission).

Allele frequency attached by ClinVar (database versions not stated): gnomAD exomes below 0.00001.
gnomAD v4.1: 5 of 1,456,398 alleles (0.00034%); highest among the groups gnomAD compares: South Asian, 0.0058%; no homozygotes.

Submission:

GeneDx
Classification: Uncertain significance. Last evaluated: 2017-02-28. Review status: criteria provided, single submitter. Criteria: GeneDx Variant Classification (06012015). Collection method: clinical testing. Allele origin: germline. Affected: yes.
Comment: The P93L variant in the PIK3R2 gene has not been reported previously as a pathogenic variant, nor as a benign variant, to our knowledge. The P93L variant is not observed in large population cohorts (Lek et al., 2016; 1000 Genomes Consortium et al., 2015; Exome Variant Server). The P93L variant is a semi-conservative amino acid substitution, which may impact secondary protein structure as these residues differ in some properties. This substitution occurs at a position that is not conserved. In silico analysis is inconsistent in its predictions as to whether or not the variant is damaging to the protein structure/function. We interpret P93L as a variant of uncertain significance.

NM_005027.4(PIK3R2):c.278C>T (p.Pro93Leu)

Gene: PIK3R2 (phosphoinositide-3-kinase regulatory subunit 2; plus strand). Cytogenetic location: 19p13.11.
Variant type: single nucleotide variant.
Coding change: c.278C>T on transcript NM_005027.4 (MANE Select); coding-DNA position 278, C replaced by T.
Protein change: p.Pro93Leu; replaces proline 93 with leucine.
Molecular consequence: missense variant. On other transcripts: non-coding transcript variant (2).
Genome position (GRCh38, 1-based): chr19:18,156,157, C>T. VCF-style: chr19-18156157-C-T. GRCh37 (hg19) VCF-style: chr19-18266967-C-T.
Other names: c.278C>T, p.Pro93Leu (LRG_1392t1); short protein forms P93L.
Identifiers: ClinVar variation 423600 (VCV000423600.2), dbSNP rs1064796518, ClinGen allele CA16620810.